The following is an entry in ClinVar:

ClinVar aggregate classification (germline): Uncertain significance. Review status: criteria provided, multiple submitters, no conflicts (2 of 4 stars). 5 submissions from 5 submitters: Uncertain significance (5). Last evaluated 2025-09-27.

Conditions:
Hereditary cancer-predisposing syndrome. Also called: Hereditary neoplastic syndrome; Neoplastic Syndromes, Hereditary; Tumor predisposition; Hereditary Cancer Syndrome. Identifiers: Orphanet 140162, MedGen C0027672, MeSH D009386, MONDO:0015356.
Juvenile polyposis syndrome (JPS). Identifiers: Orphanet 2929, MedGen C0345893, MONDO:0017380, OMIM 174900.
Polyposis syndrome, hereditary mixed, 2. Identifiers: Orphanet 157794, MedGen C1864730, MONDO:0012405, OMIM 610069.

gnomAD v4.1: 3 of 1,613,800 alleles (0.00019%); highest among the groups gnomAD compares: Non-Finnish European, 0.00017%; no homozygotes.

Submissions (5):

Labcorp Genetics (formerly Invitae), Labcorp
Classification: Uncertain significance for Juvenile polyposis syndrome. Last evaluated: 2025-09-27. Review status: criteria provided, single submitter. Criteria: Invitae Variant Classification Sherloc (09022015). Collection method: clinical testing. Allele origin: germline.
Comment: This sequence change replaces arginine, which is basic and polar, with leucine, which is neutral and non-polar, at codon 188 of the BMPR1A protein (p.Arg188Leu). This variant is not present in population databases (gnomAD no frequency). This variant has not been reported in the literature in individuals affected with BMPR1A-related conditions. ClinVar contains an entry for this variant (Variation ID: 1042223). Invitae Evidence Modeling of protein sequence and biophysical properties (such as structural, functional, and spatial information, amino acid conservation, physicochemical variation, residue mobility, and thermodynamic stability) indicates that this missense variant is not expected to disrupt BMPR1A protein function with a negative predictive value of 80%. In summary, the available evidence is currently insufficient to determine the role of this variant in disease. Therefore, it has been classified as a Variant of Uncertain Significance.

Baylor Genetics
Classification: Uncertain significance for Polyposis syndrome, hereditary mixed, 2. Last evaluated: 2024-02-06. Review status: criteria provided, single submitter. Criteria: ACMG Guidelines, 2015. Collection method: clinical testing. Allele origin: unknown.

All of Us Research Program, National Institutes of Health
Classification: Uncertain significance for Juvenile polyposis syndrome. Last evaluated: 2023-08-15. Review status: criteria provided, single submitter. Criteria: ACMG Guidelines, 2015. Collection method: clinical testing. Allele origin: germline. Inheritance: Autosomal dominant inheritance. Observed: 2 variant alleles, 2 heterozygotes.
Comment: This missense variant replaces arginine with leucine at codon 188 of the BMPR1A protein. Computational prediction suggests that this variant may not impact protein structure and function (internally defined REVEL score threshold <= 0.5, PMID: 27666373). To our knowledge, functional studies have not been reported for this variant. This variant has not been reported in individuals affected with BMPR1A-related disorders in the literature. This variant has not been identified in the general population by the Genome Aggregation Database (gnomAD). The available evidence is insufficient to determine the role of this variant in disease conclusively. Therefore, this variant is classified as a Variant of Uncertain Significance.

This study involves interpretation of variants in research participants for the purpose of population health screening. Participant phenotype was not available at the time of variant classification. Additional details can be found in publication PMID: 35346344, PMCID: PMC8962531

Ambry Genetics
Classification: Uncertain significance for Hereditary cancer-predisposing syndrome. Last evaluated: 2022-06-22. Review status: criteria provided, single submitter. Criteria: Ambry Variant Classification Scheme 2023. Collection method: clinical testing. Allele origin: germline.
Comment: The p.R188L variant (also known as c.563G>T), located in coding exon 6 of the BMPR1A gene, results from a G to T substitution at nucleotide position 563. The arginine at codon 188 is replaced by leucine, an amino acid with dissimilar properties. This amino acid position is not well conserved in available vertebrate species. In addition, the in silico prediction for this alteration is inconclusive. Since supporting evidence is limited at this time, the clinical significance of this alteration remains unclear.

Women's Health and Genetics/Laboratory Corporation of America, LabCorp
Classification: Uncertain significance. Last evaluated: 2021-10-20. Review status: criteria provided, single submitter. Criteria: LabCorp Variant Classification Summary - May 2015. Collection method: clinical testing. Allele origin: germline.
Comment: Variant summary: BMPR1A c.563G>T (p.Arg188Leu) results in a non-conservative amino acid change in the encoded protein sequence. Three of five in-silico tools predict a benign effect of the variant on protein function. The variant was absent in 251338 control chromosomes. The available data on variant occurrences in the general population are insufficient to allow any conclusion about variant significance. To our knowledge, no occurrence of c.563G>T in individuals affected with Juvenile Polyposis Syndrome and no experimental evidence demonstrating its impact on protein function have been reported. One clinical diagnostic laboratory has submitted clinical-significance assessments for this variant to ClinVar after 2014 without evidence for independent evaluation and classified the variant as uncertain significance. Based on the evidence outlined above, the variant was classified as uncertain significance.

NM_004329.3(BMPR1A):c.563G>T (p.Arg188Leu)

Gene: BMPR1A (bone morphogenetic protein receptor type 1A; plus strand). Cytogenetic location: 10q23.2.
Variant type: single nucleotide variant.
Coding change: c.563G>T on transcript NM_004329.3 (MANE Select); coding-DNA position 563, G replaced by T.
Protein change: p.Arg188Leu; replaces arginine 188 with leucine.
Molecular consequence: missense variant.
Genome position (GRCh38, 1-based): chr10:86,912,272, G>T. VCF-style: chr10-86912272-G-T. GRCh37 (hg19) VCF-style: chr10-88672029-G-T.
Other names: short protein forms R188L.
Identifiers: ClinVar variation 1042223 (VCV001042223.16), dbSNP rs749780872, ClinGen allele CA377454390.